The following is an entry in ClinVar:

ClinVar aggregate classification (germline): Uncertain significance. Review status: criteria provided, multiple submitters, no conflicts (2 of 4 stars). 2 submissions from 2 submitters: Uncertain significance (2). Last evaluated 2023-11-29.

Conditions:
Tumor predisposition syndrome 3 (TPDS3). Also called: Melanoma, cutaneous malignant, susceptibility to, 10; Glioma susceptibility 9; LONG TELOMERE SYNDROME, POT1-RELATED; POT1 Tumor Predisposition. Identifiers: Orphanet 618, MedGen C4014476, MONDO:0014368, OMIM 615848.
Hereditary cancer-predisposing syndrome. Also called: Tumor predisposition; Hereditary Cancer Syndrome; Hereditary neoplastic syndrome; Neoplastic Syndromes, Hereditary. Identifiers: Orphanet 140162, MedGen C0027672, MeSH D009386, MONDO:0015356.

gnomAD v4.1: 1 of 1,581,644 alleles (0.000063%); highest among the groups gnomAD compares: Non-Finnish European, 0.000086%; no homozygotes.

Submissions (2):

Ambry Genetics
Classification: Uncertain significance for Hereditary cancer-predisposing syndrome. Last evaluated: 2023-11-29. Review status: criteria provided, single submitter. Criteria: Ambry Variant Classification Scheme 2023. Collection method: clinical testing. Allele origin: germline.
Comment: The p.Q341K variant (also known as c.1021C>A), located in coding exon 9 of the POT1 gene, results from a C to A substitution at nucleotide position 1021. The glutamine at codon 341 is replaced by lysine, an amino acid with similar properties. This amino acid position is conserved. In addition, this alteration is predicted to be tolerated by in silico analysis. Since supporting evidence is limited at this time, the clinical significance of this alteration remains unclear.

Labcorp Genetics (formerly Invitae), Labcorp
Classification: Uncertain significance for Tumor predisposition syndrome 3. Last evaluated: 2023-09-25. Review status: criteria provided, single submitter. Criteria: Invitae Variant Classification Sherloc (09022015). Collection method: clinical testing. Allele origin: germline.
Comment: In summary, the available evidence is currently insufficient to determine the role of this variant in disease. Therefore, it has been classified as a Variant of Uncertain Significance. Advanced modeling of protein sequence and biophysical properties (such as structural, functional, and spatial information, amino acid conservation, physicochemical variation, residue mobility, and thermodynamic stability) performed at Invitae indicates that this missense variant is not expected to disrupt POT1 protein function. This variant has not been reported in the literature in individuals affected with POT1-related conditions. This variant is present in population databases (rs767757297, gnomAD 0.001%). This sequence change replaces glutamine, which is neutral and polar, with lysine, which is basic and polar, at codon 341 of the POT1 protein (p.Gln341Lys).

NM_015450.3(POT1):c.1021C>A (p.Gln341Lys)

Gene: POT1 (protection of telomeres 1; minus strand). Cytogenetic location: 7q31.33.
Variant type: single nucleotide variant.
Coding change: c.1021C>A on transcript NM_015450.3 (MANE Select); coding-DNA position 1021, C replaced by A.
Protein change: p.Gln341Lys; replaces glutamine 341 with lysine.
Molecular consequence: missense variant. On other transcripts: non-coding transcript variant (3).
Genome position (GRCh38, 1-based): chr7:124,842,949, G>T on the plus strand (C>A on the coding strand, the complement: POT1 is on the minus strand). VCF-style: chr7-124842949-G-T. GRCh37 (hg19) VCF-style: chr7-124483003-G-T.
Other names: c.1021C>A (NM_015450.2); c.628C>A, p.Gln210Lys (NM_001042594.2); short protein forms Q210K, Q341K.
Identifiers: ClinVar variation 3017324 (VCV003017324.4), dbSNP rs767757297, ClinGen allele CA4465247.
Genomic context (GRCh38, chr7:124,842,949, plus strand): 5'-GGTATTGTTGAGGAGCTTTTTGTTTCAAAATGGCACATAGTGGTGTCCTCTCCAAATACT[G>T]ATGATCTGTAAGTACTGTAAAGAATTTTTATATTCAATCAGAATAACAAGAATCATATTT-3'
Protein context (NP_056265.2, residues 331-351): QLSATILTDH[Gln341Lys]YLERTPLCAI